The following is an entry in ClinVar:

ClinVar aggregate classification (germline): Uncertain significance. Review status: criteria provided, multiple submitters, no conflicts (2 of 4 stars). 2 submissions from 2 submitters: Uncertain significance (2). Last evaluated 2024-07-15.

Conditions:
Colorectal cancer, hereditary nonpolyposis, type 7. Identifiers: Orphanet 144, MedGen C1858380, MONDO:0013725, OMIM 614385.

Allele frequency attached by ClinVar (database versions not stated): gnomAD exomes below 0.00001 and 0.00001; ExAC 0.00002.

Submissions (2):

Ambry Genetics
Classification: Uncertain significance. Last evaluated: 2024-07-15. Review status: criteria provided, single submitter. Criteria: Ambry Variant Classification Scheme 2023. Collection method: clinical testing. Allele origin: germline.
Comment: The p.N395D variant (also known as c.1183A>G), located in coding exon 1 of the MLH3 gene, results from an A to G substitution at nucleotide position 1183. The asparagine at codon 395 is replaced by aspartic acid, an amino acid with highly similar properties. This amino acid position is conserved. In addition, this alteration is predicted to be tolerated by in silico analysis. Since supporting evidence is limited at this time, the clinical significance of this alteration remains unclear.

Labcorp Genetics (formerly Invitae), Labcorp
Classification: Uncertain significance for Colorectal cancer, hereditary nonpolyposis, type 7. Last evaluated: 2023-11-07. Review status: criteria provided, single submitter. Criteria: Invitae Variant Classification Sherloc (09022015). Collection method: clinical testing. Allele origin: germline.
Comment: This sequence change replaces asparagine, which is neutral and polar, with aspartic acid, which is acidic and polar, at codon 395 of the MLH3 protein (p.Asn395Asp). This variant is present in population databases (rs776076959, gnomAD 0.01%). This variant has not been reported in the literature in individuals affected with MLH3-related conditions. ClinVar contains an entry for this variant (Variation ID: 936202). Algorithms developed to predict the effect of missense changes on protein structure and function output the following: SIFT: "Not Available"; PolyPhen-2: "Benign"; Align-GVGD: "Not Available". The aspartic acid amino acid residue is found in multiple mammalian species, which suggests that this missense change does not adversely affect protein function. In summary, the available evidence is currently insufficient to determine the role of this variant in disease. Therefore, it has been classified as a Variant of Uncertain Significance.

NM_001040108.2(MLH3):c.1183A>G (p.Asn395Asp)

Gene: MLH3 (mutL homolog 3; minus strand). Cytogenetic location: 14q24.3.
Variant type: single nucleotide variant.
Coding change: c.1183A>G on transcript NM_001040108.2 (MANE Select); coding-DNA position 1183, A replaced by G.
Protein change: p.Asn395Asp; replaces asparagine 395 with aspartic acid.
Molecular consequence: missense variant.
Genome position (GRCh38, 1-based): chr14:75,048,473, T>C on the plus strand (A>G on the coding strand, the complement: MLH3 is on the minus strand). VCF-style: chr14-75048473-T-C. GRCh37 (hg19) VCF-style: chr14-75515176-T-C.
Other names: c.1183A>G, p.Asn395Asp (NM_014381.3); short protein forms N395D.
Identifiers: ClinVar variation 936202 (VCV000936202.13), dbSNP rs776076959, ClinGen allele CA7275907.